The following is an entry in ClinVar:

ClinVar aggregate classification (germline): Conflicting classifications of pathogenicity. Review status: criteria provided, conflicting classifications (1 of 4 stars). 5 submissions from 5 submitters: Uncertain significance (2); Likely benign (3). Last evaluated 2025-12-14.

Conditions:
Familial adenomatous polyposis 1 (FAP1). Also called: POLYPOSIS, ADENOMATOUS INTESTINAL; FAMILIAL ADENOMATOUS POLYPOSIS 1, ATTENUATED. Identifiers: MedGen C2713442, MONDO:0021056, OMIM 175100. Disease mechanism: loss of function.
Classic or attenuated familial adenomatous polyposis. Identifiers: MedGen CN372698, MONDO:0021057.
Hereditary cancer-predisposing syndrome. Also called: Hereditary neoplastic syndrome; Neoplastic Syndromes, Hereditary; Tumor predisposition; Hereditary Cancer Syndrome. Identifiers: Orphanet 140162, MedGen C0027672, MeSH D009386, MONDO:0015356.

Allele frequency attached by ClinVar (database versions not stated): gnomAD 0.00001; gnomAD exomes 0.00001 and 0.00002; TOPMed 0.00001; ExAC 0.00003.
gnomAD v4.1: 27 of 1,614,002 alleles (0.0017%); highest among the groups gnomAD compares: Non-Finnish European, 0.0018%; no homozygotes.

Submissions (5):

Labcorp Genetics (formerly Invitae), Labcorp
Classification: Likely benign for Familial adenomatous polyposis 1. Last evaluated: 2025-12-14. Review status: criteria provided, single submitter. Criteria: Invitae Variant Classification Sherloc (09022015). Collection method: clinical testing. Allele origin: germline.

Color Diagnostics, LLC DBA Color Health
Classification: Likely benign for Hereditary cancer-predisposing syndrome. Last evaluated: 2025-09-03. Review status: criteria provided, single submitter. Criteria: ACMG Guidelines, 2015. Collection method: clinical testing. Allele origin: germline.

GeneDx
Classification: Uncertain significance. Last evaluated: 2023-09-22. Review status: criteria provided, single submitter. Criteria: GeneDx Variant Classification Process June 2021. Collection method: clinical testing. Allele origin: germline. Affected: yes.
Comment: Not observed at significant frequency in large population cohorts (gnomAD); In silico analysis supports that this missense variant has a deleterious effect on protein structure/function; Has not been previously reported as a pathogenic or benign germline variant to our knowledge; however, it has been reported as a somatic variant in colorectal and urothelial carcinomas (Vasovcak 2011, Castro 2015); This variant is associated with the following publications: (PMID: 26674132, 21901162, 33503190)

All of Us Research Program, National Institutes of Health
Classification: Uncertain significance for Classic or attenuated familial adenomatous polyposis. Last evaluated: 2023-09-09. Review status: criteria provided, single submitter. Criteria: ACMG Guidelines, 2015. Collection method: clinical testing. Allele origin: germline. Inheritance: Autosomal dominant inheritance. Observed: 3 variant alleles, 3 heterozygotes.
Comment: This missense variant replaces arginine with cysteine at codon 856 of the APC protein. Computational prediction is inconclusive regarding the impact of this variant on protein structure and function (internally defined REVEL score threshold 0.5 < inconclusive < 0.7, PMID: 27666373). To our knowledge, functional studies have not been reported for this variant. This variant has not been reported in individuals affected with APC-related disorders in the literature. This variant has been identified in 3/251118 chromosomes in the general population by the Genome Aggregation Database (gnomAD). The available evidence is insufficient to determine the role of this variant in disease conclusively. Therefore, this variant is classified as a Variant of Uncertain Significance.

This study involves interpretation of variants in research participants for the purpose of population health screening. Participant phenotype was not available at the time of variant classification. Additional details can be found in publication PMID: 35346344, PMCID: PMC8962531

Ambry Genetics
Classification: Likely benign for Hereditary cancer-predisposing syndrome. Last evaluated: 2022-06-22. Review status: criteria provided, single submitter. Criteria: Ambry Variant Classification Scheme 2023. Collection method: clinical testing. Allele origin: germline.

NM_000038.6(APC):c.2566C>T (p.Arg856Cys)

Gene: APC (APC regulator of Wnt signaling pathway; plus strand). Cytogenetic location: 5q22.2.
Variant type: single nucleotide variant.
Coding change: c.2566C>T on transcript NM_000038.6 (MANE Select); coding-DNA position 2566, C replaced by T.
Protein change: p.Arg856Cys; replaces arginine 856 with cysteine.
Molecular consequence: missense variant.
Genome position (GRCh38, 1-based): chr5:112,838,160, C>T. VCF-style: chr5-112838160-C-T. GRCh37 (hg19) VCF-style: chr5-112173857-C-T.
Other names: c.2566C>T, p.Arg856Cys (NM_001127510.3, NM_001354895.2); c.2512C>T, p.Arg838Cys (NM_001127511.3); c.2620C>T, p.Arg874Cys (NM_001354896.2); c.2596C>T, p.Arg866Cys (NM_001354897.2); c.2491C>T, p.Arg831Cys (NM_001354898.2); c.2482C>T, p.Arg828Cys (NM_001354899.2); c.2443C>T, p.Arg815Cys (NM_001354900.2); c.2389C>T, p.Arg797Cys (NM_001354901.2); and 5 more; short protein forms R856C, R838C, R573C, R730C, R755C, R831C, R765C, R815C.
Identifiers: ClinVar variation 469755 (VCV000469755.24), dbSNP rs566005215, ClinGen allele CA032524.